The following is an entry in ClinVar:

ClinVar aggregate classification (germline): Conflicting classifications of pathogenicity. Review status: criteria provided, conflicting classifications (1 of 4 stars). 4 submissions from 4 submitters: Uncertain significance (1); Likely benign (3). Last evaluated 2025-02-24.

Submissions (4):

Mayo Clinic Laboratories, Mayo Clinic
Classification: Likely benign. Last evaluated: 2025-02-24. Review status: criteria provided, single submitter. Criteria: ACMG Guidelines, 2015. Collection method: clinical testing. Allele origin: germline. Observed: 1 variant allele.
Comment: BP4, BP7

Blueprint Genetics
Classification: Likely benign. Last evaluated: 2024-11-25. Review status: criteria provided, single submitter. Criteria: ACMG Guidelines, 2015. Collection method: clinical testing. Allele origin: germline.

Labcorp Genetics (formerly Invitae), Labcorp
Classification: Likely benign. Last evaluated: 2024-10-23. Review status: criteria provided, single submitter. Criteria: Invitae Variant Classification Sherloc (09022015). Collection method: clinical testing. Allele origin: germline.

Dubai Health Genomic Medicine Center, Dubai Health
Classification: Uncertain significance. Last evaluated: 2020-07-19. Review status: criteria provided, single submitter. Criteria: ACMG Guidelines, 2015. Collection method: clinical testing. Allele origin: germline. Affected: yes.

NM_006208.3(ENPP1):c.313+8_313+9insTTGTGT

Gene: ENPP1 (ectonucleotide pyrophosphatase/phosphodiesterase 1; plus strand). Cytogenetic location: 6q23.2.
Variant type: Insertion.
Coding change: c.313+8_313+9insTTGTGT on transcript NM_006208.3 (MANE Select); bases 8 to 9 of the intron after coding-DNA position 313, TTGTGT inserted.
Molecular consequence: intron variant.
Genome position: GRCh38 VCF-style: chr6-131847856-G-GTTGTGT. GRCh37 (hg19) VCF-style: chr6-132168996-G-GTTGTGT.
Other names: p.?.
Identifiers: ClinVar variation 355331 (VCV000355331.17), dbSNP rs879243445, ClinGen allele CA10625908.
Genomic context (GRCh38, chr6:131,847,856, plus strand): 5'-AACAACAATACTTGGTTGTATATTTGGGTTGAAACCAAGCTGTGCCAAAGAAGGTAATTA[G>GTTGTGT]GTGTGTGTGTGTGTGTGTGTGTGTGTGTGTGTGTGTGTATGTGTGTGCACAGCCTTATTA-3'